The following is an entry in ClinVar:

ClinVar aggregate classification (germline): Pathogenic (1 of 4 stars; one submission).

Conditions:
Cohen syndrome (COH1). Also called: PEPPER SYNDROME; Cutis verticis gyrata, retinitis pigmentosa, and sensorineural deafness. Identifiers: Orphanet 193, MedGen C0265223, MONDO:0008999, OMIM 216550.

Submission:

Women's Health and Genetics/Laboratory Corporation of America, LabCorp
Classification: Pathogenic for Cohen syndrome. Last evaluated: 2022-10-25. Review status: criteria provided, single submitter. Criteria: LabCorp Variant Classification Summary - May 2015. Collection method: clinical testing. Allele origin: germline.
Comment: Variant summary: The variant identified by MLPA or other technology involves the deletion of exons 6-16 in the VPS13B (COH1) gene. A presumed nomenclature of c.(580+1_581-1)_(2333+1_2334-1)del has been designated for the purposes of this classification. Although exact breakpoints of this deletion are not known, it is expected to result in a frameshift in the VPS13B gene, a known mechanism of disease. The variant was absent in 21694 control chromosomes (gnomAD, structural variants dataset). c.(580+1_581-1)_(2333+1_2334-1)del has been reported in the literature in multiple individuals affected with Cohen Syndrome, including twelve homozygous individuals from a large family in which the variant segregated with the disease phenotype (e.g. Bugiani_2008). These data indicate that the variant is very likely to be associated with disease. Two submitters have provided clinical-significance assessments for this variant to ClinVar after 2014 and both classified the variant as pathogenic. Based on the evidence outlined above, the variant was classified as pathogenic.

Literature cited by the submitters: PubMed 18655112.

NC_000008.10:g.(100115349_100123325)_(100182392_100205103)del

Gene: VPS13B (vacuolar protein sorting 13 homolog B; plus strand). Cytogenetic location: 8q22.2.
Variant type: Deletion.
Identifiers: ClinVar variation 1723388 (VCV001723388.1).